The following is an entry in ClinVar:

ClinVar aggregate classification (germline): Conflicting classifications of pathogenicity. Review status: criteria provided, conflicting classifications (1 of 4 stars). 5 submissions from 4 submitters: Uncertain significance (4); Likely benign (1). Last evaluated 2026-01-12.

Conditions:
Hypophosphatemic rickets, autosomal recessive, 2 (ARHR2). Identifiers: Orphanet 289176, MedGen C2750078, MONDO:0013219, OMIM 613312.
Obesity. Also called: Obesity disorder. Identifiers: Orphanet 71529, MedGen C0028754, MeSH D009765, MONDO:0011122, HP:0001513.
Hypopigmentation-punctate palmoplantar keratoderma syndrome. Also called: GUTTATE HYPOPIGMENTATION AND PUNCTATE PALMOPLANTAR KERATODERMA WITH OR WITHOUT ECTOPIC CALCIFICATION; Cole disease. Identifiers: Orphanet 324561, MedGen C3809781, MONDO:0014227, OMIM 615522.
Type 2 diabetes mellitus. Also called: Type II diabetes mellitus. Identifiers: MedGen C0011860, MeSH D003924, MONDO:0005148, OMIM 125853, HP:0005978.
Arterial calcification, generalized, of infancy, 1 (GACI1). Also called: Idiopathic Infantile Arterial Calcification. Identifiers: Orphanet 51608, MedGen C4551985, MONDO:0008817, OMIM 208000.
ENPP1-related disorder. Also called: ENPP1-related condition; ENPP1-related disorders.

Allele frequency attached by ClinVar (database versions not stated): 1000 Genomes Project 30x 0.00109; 1000 Genomes Project 0.00120; ESP Exome Variant Server 0.00023; TOPMed 0.00029.
gnomAD v4.1: 180 of 1,402,294 alleles (0.013%); highest among the groups gnomAD compares: African/African-American, 0.13%; no homozygotes.

Submissions (5):

Labcorp Genetics (formerly Invitae), Labcorp
Classification: Likely benign. Last evaluated: 2026-01-12. Review status: criteria provided, single submitter. Criteria: Invitae Variant Classification Sherloc (09022015). Collection method: clinical testing. Allele origin: germline.

PreventionGenetics, part of Exact Sciences
Classification: Uncertain significance for ENPP1-related condition. Last evaluated: 2023-08-25. Review status: criteria provided, single submitter. Criteria: ACMG Guidelines, 2015. Collection method: clinical testing. Allele origin: germline.
Comment: The ENPP1 c.2236A>C variant is predicted to result in the amino acid substitution p.Asn746His. To our knowledge, this variant has not been reported in the literature. This variant is reported in 0.13% of alleles in individuals of African descent in gnomAD. At this time, the clinical significance of this variant is uncertain due to the absence of conclusive functional and genetic evidence.

Fulgent Genetics
Classification: Uncertain significance for Type 2 diabetes mellitus; Arterial calcification, generalized, of infancy, 1; Inherited obesity; Hypophosphatemic rickets, autosomal recessive, 2; Hypopigmentation-punctate palmoplantar keratoderma syndrome. Last evaluated: 2022-05-02. Review status: criteria provided, single submitter. Criteria: ACMG Guidelines, 2015. Collection method: clinical testing. Allele origin: unknown.

Illumina Laboratory Services, Illumina
Classification: Uncertain significance for Hypophosphatemic rickets, autosomal recessive, 2. Last evaluated: 2018-01-12. Review status: criteria provided, single submitter. Criteria: ICSL Variant Classification Criteria 13 December 2019. Collection method: clinical testing. Allele origin: germline.

Illumina Laboratory Services, Illumina
Classification: Uncertain significance for Arterial calcification, generalized, of infancy, 1. Last evaluated: 2018-01-12. Review status: criteria provided, single submitter. Criteria: ICSL Variant Classification Criteria 13 December 2019. Collection method: clinical testing. Allele origin: germline.

NM_006208.3(ENPP1):c.2236A>C (p.Asn746His)

Gene: ENPP1 (ectonucleotide pyrophosphatase/phosphodiesterase 1; plus strand). Cytogenetic location: 6q23.2.
Variant type: single nucleotide variant.
Coding change: c.2236A>C on transcript NM_006208.3 (MANE Select); coding-DNA position 2236, A replaced by C.
Protein change: p.Asn746His; replaces asparagine 746 with histidine.
Molecular consequence: missense variant.
Genome position (GRCh38, 1-based): chr6:131,883,699, A>C. VCF-style: chr6-131883699-A-C. GRCh37 (hg19) VCF-style: chr6-132204839-A-C.
Other names: short protein forms N746H.
Identifiers: ClinVar variation 355352 (VCV000355352.14), dbSNP rs144099489, ClinGen allele CA4002467.